The following is an entry in ClinVar:

NM_001006630.2(CHRM2):c.837G>C (p.Glu279Asp)

Genes: CHRM2 (cholinergic receptor muscarinic 2; plus strand), LOC349160 (uncharacterized LOC349160; minus strand). Cytogenetic location: 7q33.
Variant type: single nucleotide variant.
Coding change: c.837G>C on transcript NM_001006630.2 (MANE Select); coding-DNA position 837, G replaced by C.
Protein change: p.Glu279Asp; replaces glutamic acid 279 with aspartic acid.
Molecular consequence: missense variant.
Genome position (GRCh38, 1-based): chr7:137,015,702, G>C. VCF-style: chr7-137015702-G-C. GRCh37 (hg19) VCF-style: chr7-136700449-G-C.
Other names: c.837G>C, p.Glu279Asp (NM_000739.3, NM_001006626.3, NM_001006627.3 and 6 more transcripts); short protein forms E279D.
Identifiers: ClinVar variation 4793544 (VCV004793544.1).
Genomic context (GRCh38, chr7:137,015,702, plus strand): 5'-AATCCAGAATGGCAAAGCCCCCAGGGATCCTGTGACTGAAAACTGTGTTCAGGGAGAGGA[G>C]AAGGAGAGCTCCAATGACTCCACCTCAGTCAGTGCTGTTGCCTCTAATATGAGAGATGAT-3'
Protein context (NP_001006631.1, residues 269-289): PVTENCVQGE[Glu279Asp]KESSNDSTSV

ClinVar aggregate classification (germline): Uncertain significance (1 of 4 stars; one submission).

Submission:

Labcorp Genetics (formerly Invitae), Labcorp
Classification: Uncertain significance. Last evaluated: 2026-01-27. Review status: criteria provided, single submitter. Criteria: Invitae Variant Classification Sherloc (09022015). Collection method: clinical testing. Allele origin: germline.
Comment: This sequence change replaces glutamic acid, which is acidic and polar, with aspartic acid, which is acidic and polar, at codon 279 of the CHRM2 protein (p.Glu279Asp). This variant is not present in population databases (gnomAD no frequency). This variant has not been reported in the literature in individuals affected with CHRM2-related conditions. An algorithm developed to predict the effect of missense changes on protein structure and function (PolyPhen-2) suggests that this variant is likely to be tolerated. In summary, the available evidence is currently insufficient to determine the role of this variant in disease. Therefore, it has been classified as a Variant of Uncertain Significance.